The following is an entry in ClinVar:

NM_001041.4(SI):c.1437C>T (p.Asn479=)

Gene: SI (sucrase-isomaltase; minus strand). Cytogenetic location: 3q26.1.
Variant type: single nucleotide variant.
Coding change: c.1437C>T on transcript NM_001041.4 (MANE Select); coding-DNA position 1437, C replaced by T.
Protein change: p.Asn479=; no amino-acid change (asparagine 479 retained).
Molecular consequence: synonymous variant.
Genome position (GRCh38, 1-based): chr3:165,055,269, G>A on the plus strand (C>T on the coding strand, the complement: SI is on the minus strand). VCF-style: chr3-165055269-G-A. GRCh37 (hg19) VCF-style: chr3-164773057-G-A.
Other names: p.Asn479=.
Identifiers: ClinVar variation 344054 (VCV000344054.25), dbSNP rs9290257, ClinGen allele CA2691062.
Genomic context (GRCh38, chr3:165,055,269, plus strand): 5'-ATATTGCACTTCTTGATGGAAAATACTGCATTCATTTGCCCACCAATCAATGCAGTTTGG[G>A]TTAGTGAAATCAGGGTATACTGTTAATCCTGGCCATACCTAGAAGAATAGATCATTCACA-3'
Protein context (NP_001032.2, residues 469-489): PGLTVYPDFT[Asn479=]PNCIDWWANE

ClinVar aggregate classification (germline): Benign/Likely benign. Review status: criteria provided, multiple submitters, no conflicts (2 of 4 stars). 9 submissions from 9 submitters: Benign (6); Likely benign (1). 2 of the submissions do not count toward it. Last evaluated 2026-02-04.

Conditions:
Sucrase-isomaltase deficiency (CSID). Also called: Congenital sucrose isomaltose malabsorption; Sucrose isomaltose enzyme deficiency; SI DEFICIENCY; Deficiency of isomaltase. Identifiers: Orphanet 35122, MedGen C1283620, MONDO:0009114, OMIM 222900.

Allele frequency attached by ClinVar (database versions not stated): gnomAD exomes 0.59945 and 0.61978; 1000 Genomes Project 30x 0.61321; ExAC 0.61376; 1000 Genomes Project 0.61901; ESP Exome Variant Server 0.56197; TOPMed 0.57944; gnomAD 0.57954 and 0.58303.
gnomAD v4.1: 959,612 of 1,604,318 alleles (60%); highest among the groups gnomAD compares: East Asian, 83%; 290,349 homozygotes.

Submissions (9):

Labcorp Genetics (formerly Invitae), Labcorp
Classification: Benign. Last evaluated: 2026-02-04. Review status: criteria provided, single submitter. Criteria: Invitae Variant Classification Sherloc (09022015). Collection method: clinical testing. Allele origin: germline.

Blueprint Genetics
Classification: Likely benign. Last evaluated: 2024-11-26. Review status: criteria provided, single submitter. Criteria: ACMG Guidelines, 2015. Collection method: clinical testing. Allele origin: germline.

Mayo Clinic Laboratories, Mayo Clinic
Classification: Benign. Last evaluated: 2022-09-06. Review status: criteria provided, single submitter. Criteria: ACMG Guidelines, 2015. Collection method: clinical testing. Allele origin: germline. Observed: 77 variant alleles.

Genome-Nilou Lab
Classification: Benign for Sucrase-isomaltase deficiency. Last evaluated: 2021-07-15. Review status: criteria provided, single submitter. Criteria: ACMG Guidelines, 2015. Collection method: clinical testing. Allele origin: germline. Affected: no.

GeneDx
Classification: Benign. Last evaluated: 2019-08-16. Review status: criteria provided, single submitter. Criteria: GeneDx Variant Classification Process June 2021. Collection method: clinical testing. Allele origin: germline. Affected: yes.

Illumina Laboratory Services, Illumina
Classification: Benign for Sucrase-isomaltase deficiency. Last evaluated: 2018-01-12. Review status: criteria provided, single submitter. Criteria: ICSL Variant Classification Criteria 13 December 2019. Collection method: clinical testing. Allele origin: germline.
Comment: This variant was observed in the ICSL laboratory as part of a predisposition screen in an ostensibly healthy population. It had not been previously curated by ICSL or reported in the Human Gene Mutation Database (HGMD: prior to June 1st, 2018), and was therefore a candidate for classification through an automated scoring system. Utilizing variant allele frequency, disease prevalence and penetrance estimates, and inheritance mode, an automated score was calculated to assess if this variant is too frequent to cause the disease. Based on the score and internal cut-off values, a variant classified as benign is not then subjected to further curation. The score for this variant resulted in a classification of benign for this disease.

Breakthrough Genomics
Classification: Benign. Review status: criteria provided, single submitter. Criteria: ACMG Guidelines, 2015. Collection method: not provided. Allele origin: germline. Inheritance: Autosomal recessive inheritance. Affected: yes.

Diagnostic Laboratory, Department of Genetics, University Medical Center Groningen
Classification: Benign. Review status: no assertion criteria provided. Collection method: clinical testing. Allele origin: germline. Affected: yes. Study: VKGL Data-share Consensus. Not counted in ClinVar's aggregate classification.

Joint Genome Diagnostic Labs from Nijmegen and Maastricht, Radboudumc and MUMC+
Classification: Benign. Review status: no assertion criteria provided. Collection method: clinical testing. Allele origin: germline. Affected: yes. Study: VKGL Data-share Consensus. Not counted in ClinVar's aggregate classification.